The following is an entry in ClinVar:

NM_020964.3(EPG5):c.3799C>G (p.Pro1267Ala)

Gene: EPG5 (ectopic P-granules 5 autophagy tethering factor; minus strand). Cytogenetic location: 18q21.1.
Variant type: single nucleotide variant.
Coding change: c.3799C>G on transcript NM_020964.3 (MANE Select); coding-DNA position 3799, C replaced by G.
Protein change: p.Pro1267Ala; replaces proline 1267 with alanine.
Molecular consequence: missense variant.
Genome position (GRCh38, 1-based): chr18:45,913,723, G>C on the plus strand (C>G on the coding strand, the complement: EPG5 is on the minus strand). VCF-style: chr18-45913723-G-C. GRCh37 (hg19) VCF-style: chr18-43493688-G-C.
Other names: short protein forms P1267A.
Identifiers: ClinVar variation 1035602 (VCV001035602.7), dbSNP rs2049964767, ClinGen allele CA402341147.

ClinVar aggregate classification (germline): Uncertain significance (1 of 4 stars; one submission).

Conditions:
Vici syndrome (VICIS). Identifiers: Orphanet 1493, MedGen C1855772, MONDO:0009452, OMIM 242840.

Submission:

Labcorp Genetics (formerly Invitae), Labcorp
Classification: Uncertain significance for Vici syndrome. Last evaluated: 2021-09-01. Review status: criteria provided, single submitter. Criteria: Invitae Variant Classification Sherloc (09022015). Collection method: clinical testing. Allele origin: germline.
Comment: This sequence change replaces proline with alanine at codon 1267 of the EPG5 protein (p.Pro1267Ala). The proline residue is highly conserved and there is a small physicochemical difference between proline and alanine. This variant is not present in population databases (ExAC no frequency). This variant has not been reported in the literature in individuals affected with EPG5-related conditions. Algorithms developed to predict the effect of missense changes on protein structure and function are either unavailable or do not agree on the potential impact of this missense change (SIFT: "Tolerated"; PolyPhen-2: "Probably Damaging"; Align-GVGD: "Class C0"). In summary, the available evidence is currently insufficient to determine the role of this variant in disease. Therefore, it has been classified as a Variant of Uncertain Significance.